The following is an entry in ClinVar:

NM_006891.4(CRYGD):c.168C>G (p.Tyr56Ter)

Genes: CRYGD (crystallin gamma D; minus strand), LOC100507443 (uncharacterized LOC100507443; plus strand). Cytogenetic location: 2q33.3.
Variant type: single nucleotide variant.
Coding change: c.168C>G on transcript NM_006891.4 (MANE Select); coding-DNA position 168, C replaced by G.
Protein change: p.Tyr56Ter; replaces tyrosine 56 with a stop codon.
Molecular consequence: nonsense.
Genome position (GRCh38, 1-based): chr2:208,124,196, G>C on the plus strand (C>G on the coding strand, the complement: CRYGD is on the minus strand). VCF-style: chr2-208124196-G-C. GRCh37 (hg19) VCF-style: chr2-208988920-G-C.
Other names: short protein forms Y56*.
Identifiers: ClinVar variation 333874 (VCV000333874.47), dbSNP rs202233735, ClinGen allele CA2077717.

ClinVar aggregate classification (germline): Conflicting classifications of pathogenicity. Review status: criteria provided, conflicting classifications (1 of 4 stars). 8 submissions from 8 submitters: Uncertain significance (1); Benign (3); Likely benign (3). 1 of the submissions does not count toward it. Last evaluated 2026-01-15.

Conditions:
CRYGD-related disorder. Also called: CRYGD-related condition.
Aculeiform cataract (CTRCT4). Also called: Fasciculiform cataract; Frosted cataract; Needle-shaped cataract. Identifiers: MedGen C1861832, HP:0010926.
Cataract 4 multiple types. Also called: CATARACT 4, MULTIPLE TYPES, WITH OR WITHOUT MICROCORNEA; CATARACT 4 WITH MICROCORNEA; CATARACT 4, PUNCTATE; CATARACT 4, CRYSTALLINE; CATARACT 4, CENTRAL NUCLEAR; CATARACT 4, NONNUCLEAR POLYMORPHIC CONGENITAL. Identifiers: Orphanet 1377, MedGen C3540850, MONDO:0007281, OMIM 115700.
Joubert syndrome 17 (JBTS17). Identifiers: Orphanet 475, MedGen C3553264, MONDO:0013824, OMIM 614615.

Allele frequency attached by ClinVar (database versions not stated): 1000 Genomes Project 0.00359; TOPMed 0.00463; ExAC 0.00528; gnomAD exomes 0.00627.

Submissions (8):

Labcorp Genetics (formerly Invitae), Labcorp
Classification: Benign for Aculeiform cataract. Last evaluated: 2026-01-15. Review status: criteria provided, single submitter. Criteria: Invitae Variant Classification Sherloc (09022015). Collection method: clinical testing. Allele origin: germline.

CeGaT Center for Human Genetics Tuebingen
Classification: Benign. Last evaluated: 2025-12-01. Review status: criteria provided, single submitter. Criteria: CeGaT Center For Human Genetics Tuebingen Variant Classification Criteria Version 2. Collection method: clinical testing. Allele origin: germline. Affected: yes. Observed: 6 variant alleles.
Comment: CRYGD: BS1, BS2

GeneDx
Classification: Benign. Last evaluated: 2020-02-27. Review status: criteria provided, single submitter. Criteria: GeneDx Variant Classification Process June 2021. Collection method: clinical testing. Allele origin: germline. Affected: yes.
Comment: This variant is associated with the following publications: (PMID: 31216405, 28849415, 27959697, 27535533, 19390652, 22995991)

Institute of Human Genetics, University of Leipzig Medical Center
Classification: Uncertain significance for Cataract 4 multiple types. Last evaluated: 2019-01-01. Review status: criteria provided, single submitter. Criteria: ACMG Guidelines, 2015. Collection method: clinical testing. Allele origin: unknown. Affected: yes.

Baylor Genetics
Classification: Likely benign for Cataract 4 multiple types. Last evaluated: 2017-12-31. Review status: criteria provided, single submitter. Criteria: ACMG Guidelines, 2015. Collection method: clinical testing. Allele origin: germline. Affected: yes.
Comment: Reclassification of existing record

Illumina Laboratory Services, Illumina
Classification: Likely benign for Cataract 4 multiple types. Last evaluated: 2017-04-27. Review status: criteria provided, single submitter. Criteria: ICSL Variant Classification Criteria 13 December 2019. Collection method: clinical testing. Allele origin: germline.
Comment: This variant was observed as part of a predisposition screen in an ostensibly healthy population. A literature search was performed for the gene, cDNA change, and amino acid change (where applicable). No publications were found based on this search. Allele frequency data from public databases allowed determination this variant is unlikely to cause disease. Therefore, this variant is classified as likely benign.

Broad Center for Mendelian Genomics, Broad Institute of MIT and Harvard
Classification: Likely benign for Joubert syndrome 17. Review status: criteria provided, single submitter. Criteria: ACMG Guidelines, 2015. Collection method: research. Allele origin: germline. Inheritance: Autosomal dominant inheritance. Affected: yes.
Comment: The heterozygous p.Tyr56Ter variant in CRYGD has been identified in 3 Brazilian relatives from 1 family with cataracts (PMID: 19390652), but has also been identified in >3% of Latino chromosomes and 4 homozygotes by ExAC. In summary, although additional studies are required to fully establish its clinical significance, this variant meets criteria to be classified as likely benign for autosomal dominant cataracts.

PreventionGenetics, part of Exact Sciences
Classification: Likely benign for CRYGD-related condition. Last evaluated: 2019-05-22. Review status: no assertion criteria provided. Collection method: clinical testing. Allele origin: germline. Not counted in ClinVar's aggregate classification.
Comment: This variant is classified as likely benign based on ACMG/AMP sequence variant interpretation guidelines (Richards et al. 2015 PMID: 25741868, with internal and published modifications).

Literature cited by the submitters: PubMed 19390652 (cited by Broad Center for Mendelian Genomics, Broad Institute of MIT and Harvard); PubMed 22995991 (cited by Broad Center for Mendelian Genomics, Broad Institute of MIT and Harvard).